The following is an entry in ClinVar:

ClinVar aggregate classification (germline): Likely benign (1 of 4 stars; one submission).

gnomAD v4.1: 2 of 1,613,264 alleles (0.00012%); highest among the groups gnomAD compares: Non-Finnish European, 0.00017%; no homozygotes.

Submission:

Laboratorio de Genetica e Diagnostico Molecular, Hospital Israelita Albert Einstein
Classification: Likely benign. Last evaluated: 2020-02-25. Review status: criteria provided, single submitter. Criteria: ACMG Guidelines, 2015. Collection method: clinical testing. Allele origin: germline. Affected: yes.
Comment: ACMG classification criteria: PM2, BP1, BP4

NM_133379.5(TTN):c.10707G>T (p.Arg3569Ser)

Gene: TTN (titin; minus strand). Cytogenetic location: 2q31.2.
Variant type: single nucleotide variant.
Coding change: c.10707G>T on transcript NM_133379.5 (MANE Plus Clinical); coding-DNA position 10707, G replaced by T.
Protein change: p.Arg3569Ser; replaces arginine 3569 with serine.
Molecular consequence: missense variant. On other transcripts: intron variant (6).
Genome position (GRCh38, 1-based): chr2:178,751,693, C>A on the plus strand (G>T on the coding strand, the complement: TTN is on the minus strand). VCF-style: chr2-178751693-C-A. GRCh37 (hg19) VCF-style: chr2-179616420-C-A.
Other names: c.10222+1431G>T (NM_003319.4); c.10798+1431G>T (NM_133437.4); c.10597+1431G>T (NM_133432.3); c.10360+1431G>T (NM_133378.4, NM_001256850.1); c.11311+1431G>T (NM_001267550.2); short protein forms R3569S.
Identifiers: ClinVar variation 1690824 (VCV001690824.2), dbSNP rs527359787, ClinGen allele CA349667074.